The following is an entry in ClinVar:

ClinVar aggregate classification (germline): Uncertain significance. Review status: criteria provided, multiple submitters, no conflicts (2 of 4 stars). 3 submissions from 3 submitters: Uncertain significance (3). Last evaluated 2024-10-24.

Conditions:
COL9A1-related disorder. Also called: COL9A1-related condition; COL9A1-related disorders.

Allele frequency attached by ClinVar (database versions not stated): ExAC 0.00001; gnomAD 0.00001 and 0.00002; gnomAD exomes 0.00002; TOPMed 0.00003; ESP Exome Variant Server 0.00008.
gnomAD v4.1: 13 of 1,614,036 alleles (0.00081%); highest among the groups gnomAD compares: Non-Finnish European, 0.0011%; no homozygotes.

Submissions (3):

PreventionGenetics, part of Exact Sciences
Classification: Uncertain significance for COL9A1-related condition. Last evaluated: 2024-10-24. Review status: criteria provided, single submitter. Criteria: ACMG Guidelines, 2015. Collection method: clinical testing. Allele origin: germline.
Comment: The COL9A1 c.441T>G variant is predicted to result in the amino acid substitution p.Asn147Lys. To our knowledge, this variant has not been reported in the literature. This variant is reported in 0.0044% of alleles in individuals of European (non-Finnish) descent in gnomAD. At this time, the clinical significance of this variant is uncertain due to the absence of conclusive functional and genetic evidence.

Blueprint Genetics
Classification: Uncertain significance. Last evaluated: 2024-10-21. Review status: criteria provided, single submitter. Criteria: ACMG Guidelines, 2015. Collection method: clinical testing. Allele origin: germline.

Labcorp Genetics (formerly Invitae), Labcorp
Classification: Uncertain significance. Last evaluated: 2022-06-14. Review status: criteria provided, single submitter. Criteria: Invitae Variant Classification Sherloc (09022015). Collection method: clinical testing. Allele origin: germline.
Comment: This sequence change replaces asparagine, which is neutral and polar, with lysine, which is basic and polar, at codon 147 of the COL9A1 protein (p.Asn147Lys). This variant is present in population databases (rs375575411, gnomAD 0.004%). This variant has not been reported in the literature in individuals affected with COL9A1-related conditions. Advanced modeling of protein sequence and biophysical properties (such as structural, functional, and spatial information, amino acid conservation, physicochemical variation, residue mobility, and thermodynamic stability) performed at Invitae indicates that this missense variant is not expected to disrupt COL9A1 protein function. In summary, the available evidence is currently insufficient to determine the role of this variant in disease. Therefore, it has been classified as a Variant of Uncertain Significance.

NM_001851.6(COL9A1):c.441T>G (p.Asn147Lys)

Gene: COL9A1 (collagen type IX alpha 1 chain; minus strand). Cytogenetic location: 6q13.
Variant type: single nucleotide variant.
Coding change: c.441T>G on transcript NM_001851.6 (MANE Select); coding-DNA position 441, T replaced by G.
Protein change: p.Asn147Lys; replaces asparagine 147 with lysine.
Molecular consequence: missense variant.
Genome position (GRCh38, 1-based): chr6:70,294,422, A>C on the plus strand (T>G on the coding strand, the complement: COL9A1 is on the minus strand). VCF-style: chr6-70294422-A-C. GRCh37 (hg19) VCF-style: chr6-71004125-A-C.
Other names: c.441T>G (NM_001851.4); c.441T>G, p.Asn147Lys (NM_001377291.1); short protein forms N147K.
Identifiers: ClinVar variation 1469043 (VCV001469043.9), dbSNP rs375575411, ClinGen allele CA3882808.